The following is an entry in ClinVar:

NM_003072.5(SMARCA4):c.164C>T (p.Pro55Leu)

Gene: SMARCA4 (SWI/SNF related BAF chromatin remodeling complex subunit ATPase 4; plus strand). Cytogenetic location: 19p13.2.
Variant type: single nucleotide variant.
Coding change: c.164C>T on transcript NM_003072.5 (MANE Select); coding-DNA position 164, C replaced by T.
Protein change: p.Pro55Leu; replaces proline 55 with leucine.
Molecular consequence: missense variant. On other transcripts: non-coding transcript variant (1).
Genome position (GRCh38, 1-based): chr19:10,984,315, C>T. VCF-style: chr19-10984315-C-T. GRCh37 (hg19) VCF-style: chr19-11094991-C-T.
Other names: c.164C>T, p.Pro55Leu (NM_001128844.3, NM_001128845.2, NM_001128846.2 and 5 more transcripts); short protein forms P55L.
Identifiers: ClinVar variation 570306 (VCV000570306.9), dbSNP rs747185602, ClinGen allele CA9203410.

ClinVar aggregate classification (germline): Uncertain significance. Review status: criteria provided, multiple submitters, no conflicts (2 of 4 stars). 2 submissions from 2 submitters: Uncertain significance (2). Last evaluated 2025-11-01.

Conditions:
Hereditary cancer-predisposing syndrome. Also called: Hereditary neoplastic syndrome; Tumor predisposition; Neoplastic Syndromes, Hereditary; Hereditary Cancer Syndrome. Identifiers: Orphanet 140162, MedGen C0027672, MeSH D009386, MONDO:0015356.
Rhabdoid tumor predisposition syndrome 2 (RTPS2). Identifiers: Orphanet 231108, Orphanet 69077, MedGen C2750074, MONDO:0013224, OMIM 613325.

Allele frequency attached by ClinVar (database versions not stated): gnomAD exomes 0.00001; ExAC 0.00004.
gnomAD v4.1: 3 of 1,605,418 alleles (0.00019%); highest among the groups gnomAD compares: Non-Finnish European, 0.00026%; no homozygotes.

Submissions (2):

Labcorp Genetics (formerly Invitae), Labcorp
Classification: Uncertain significance for Rhabdoid tumor predisposition syndrome 2. Last evaluated: 2025-11-01. Review status: criteria provided, single submitter. Criteria: Invitae Variant Classification Sherloc (09022015). Collection method: clinical testing. Allele origin: germline.
Comment: This sequence change replaces proline, which is neutral and non-polar, with leucine, which is neutral and non-polar, at codon 55 of the SMARCA4 protein (p.Pro55Leu). The frequency data for this variant in the population databases is considered unreliable, as metrics indicate poor data quality at this position in the gnomAD database. This variant has not been reported in the literature in individuals affected with SMARCA4-related conditions. ClinVar contains an entry for this variant (Variation ID: 570306). Invitae Evidence Modeling of protein sequence and biophysical properties (such as structural, functional, and spatial information, amino acid conservation, physicochemical variation, residue mobility, and thermodynamic stability) indicates that this missense variant is not expected to disrupt SMARCA4 protein function with a negative predictive value of 80%. In summary, the available evidence is currently insufficient to determine the role of this variant in disease. Therefore, it has been classified as a Variant of Uncertain Significance.

Ambry Genetics
Classification: Uncertain significance for Hereditary cancer-predisposing syndrome. Last evaluated: 2023-07-01. Review status: criteria provided, single submitter. Criteria: Ambry Variant Classification Scheme 2023. Collection method: clinical testing. Allele origin: germline.
Comment: The p.P55L variant (also known as c.164C>T), located in coding exon 1 of the SMARCA4 gene, results from a C to T substitution at nucleotide position 164. The proline at codon 55 is replaced by leucine, an amino acid with similar properties. This amino acid position is highly conserved in available vertebrate species. In addition, the in silico prediction for this alteration is inconclusive. Missense and in-frame variants in SMARCA4 are known to cause neurodevelopmental disorders; however, such associations with rhabdoid tumor predisposition syndrome including small cell carcinoma of the ovary-hypercalcemic type (SCCOHT) are exceedingly rare (Kosho T et al. Am J Med Genet C Semin Med Genet. 2014 Sep;166C(3):262-75; Jelinic P et al. Nat Genet. 2014 May;46(5):424-6). Based on the supporting evidence, the association of this alteration with Coffin-Siris syndrome is unknown; however, the association of this alteration with rhabdoid tumor predisposition syndrome is unlikely.